The following is an entry in ClinVar:

Conditions:
Long QT syndrome 5 (LQT5). Identifiers: Orphanet 101016, Orphanet 768, MedGen C1867904, MONDO:0013372, OMIM 613695.

Submission:

Roden Lab, Vanderbilt University Medical Center
No classification provided (evidence only). Condition: Long QT syndrome 5. Review status: no classification provided. Collection method: in vitro. Allele origin: not applicable. Functional consequence: Effect on ion channel function.
ClinVar note: "not provided" was previously submitted as the classification for the variant. However, the classification appeared to be based only on an observation of functional data so it was converted to no classification on 2025-07-30.

NM_000219.6(KCNE1):c.368C>G (p.Pro123Arg)

Gene: KCNE1 (potassium voltage-gated channel subfamily E regulatory subunit 1; minus strand). Cytogenetic location: 21q22.12.
Variant type: single nucleotide variant.
Coding change: c.368C>G on transcript NM_000219.6 (MANE Select); coding-DNA position 368, C replaced by G.
Protein change: p.Pro123Arg; replaces proline 123 with arginine.
Molecular consequence: missense variant.
Genome position (GRCh38, 1-based): chr21:34,449,267, G>C on the plus strand (C>G on the coding strand, the complement: KCNE1 is on the minus strand). VCF-style: chr21-34449267-G-C. GRCh37 (hg19) VCF-style: chr21-35821565-G-C.
Other names: c.368C>G, p.Pro123Arg (NM_001127668.4, NM_001127669.4, NM_001127670.4 and 4 more transcripts); short protein forms P123R.
Identifiers: ClinVar variation 3373837 (VCV003373837.2).